The following is an entry in ClinVar:

ClinVar aggregate classification (germline): Likely pathogenic (1 of 4 stars; one submission).

Conditions:
Cognitive impairment with or without cerebellar ataxia (CIAT). Identifiers: MedGen C3280415, MONDO:0013680, OMIM 614306.

Submission:

Institute of Human Genetics, University of Leipzig Medical Center
Classification: Likely pathogenic for Cognitive impairment with or without cerebellar ataxia. Last evaluated: 2023-11-27. Review status: criteria provided, single submitter. Criteria: ACMG Guidelines, 2015. Collection method: clinical testing. Allele origin: unknown. Inheritance: Autosomal dominant inheritance. Affected: yes.
Comment: Criteria applied: PVS1,PM2_SUP

NM_001330260.2(SCN8A):c.4125_4126del (p.Glu1375_Cys1376insTer)

Gene: SCN8A (sodium voltage-gated channel alpha subunit 8; plus strand). Cytogenetic location: 12q13.13.
Variant type: Deletion.
Coding change: c.4125_4126del on transcript NM_001330260.2 (MANE Select); coding-DNA positions 4125 to 4126, 2 bases deleted (AT; older notation c.4125_4126delAT).
Protein change: p.Glu1375_Cys1376insTer.
Molecular consequence: frameshift variant.
Genome position (GRCh38, 1-based): chr12:51,786,724-51,786,725, AT deleted. VCF-style (leftmost placement, unchanged base first): chr12-51786723-AAT-A. GRCh37 (hg19) VCF-style: chr12-52180507-AAT-A.
Other names: c.4002_4003del, p.Glu1334_Cys1335insTer (NM_001177984.3, NM_001369788.1); c.4125_4126del, p.Glu1375_Cys1376insTer (NM_014191.4).
Identifiers: ClinVar variation 2664985 (VCV002664985.2), dbSNP rs2540302255, ClinGen allele CA2695199088.
Genomic context (GRCh38, chr12:51,786,723, plus strand): 5'-ACTGCTTTAATGAGACTTCTGAAATCCGATTTGAAATTGAAGATGTCAACAATAAAACTG[AAT>A]GTGAAAAGCTTATGGAGGGGAACAATACAGAGATCAGATGGAAGAACGTGAAGATCAACT-3'